The following is an entry in ClinVar:

NM_007294.4(BRCA1):c.2805del (p.Asp936fs)

Gene: BRCA1 (BRCA1 DNA repair associated; minus strand). Cytogenetic location: 17q21.31.
Variant type: Deletion.
Coding change: c.2805del on transcript NM_007294.4 (MANE Select); coding-DNA position 2805, one base deleted (A; older notation c.2805delA).
Protein change: p.Asp936fs; shifts the reading frame from aspartic acid 936.
Molecular consequence: frameshift variant. On other transcripts: intron variant (137).
Genome position (GRCh38, 1-based): chr17:43,092,726, T deleted on the plus strand (A on the coding strand, the reverse complement: BRCA1 is on the minus strand); the first of 3 consecutive T bases (chr17:43,092,726-43,092,728); deleting any one gives the same sequence. VCF-style (leftmost placement, unchanged base first): chr17-43092725-CT-C. GRCh37 (hg19) VCF-style: chr17-41244742-CT-C.
Other names: 2924delA; c.2805delA (NM_007294.3); c.2592del, p.Asp865fs (NM_001407571.1, NM_001407853.1, NM_001407894.1 and 9 more transcripts); c.2805del, p.Asp936fs (NM_001407581.1, NM_001407582.1, NM_001407583.1 and 30 more transcripts); c.2802del, p.Asp935fs (NM_001407587.1, NM_001407590.1, NM_001407591.1 and 22 more transcripts); c.2796del, p.Asp933fs (NM_001407646.1, NM_001407647.1); c.2682del, p.Asp895fs (NM_001407648.1, NM_001407664.1, NM_001407665.1 and 19 more transcripts); c.2679del, p.Asp894fs (NM_001407649.1, NM_001407670.1, NM_001407671.1 and 11 more transcripts); and 43 more; short protein forms D889fs, D936fs, D808fs, D809fs, D825fs, D888fs, D895fs, D768fs.
Identifiers: ClinVar variation 54684 (VCV000054684.4), dbSNP rs397509012, ClinGen allele CA001837.

ClinVar aggregate classification (germline): Pathogenic. Review status: reviewed by expert panel (3 of 4 stars). 2 submissions from 2 submitters: Pathogenic (1). 1 of the submissions does not count toward it. Last evaluated 2016-09-08.

Conditions:
Breast-ovarian cancer, familial, susceptibility to, 1 (BROVCA1). Also called: OVARIAN CANCER, SUSCEPTIBILITY TO; BRCA1 Hereditary Breast and Ovarian Cancer. Identifiers: Orphanet 145, MedGen C2676676, MONDO:0011450, OMIM 604370. Disease mechanism: loss of function.

Submissions (2):

Evidence-based Network for the Interpretation of Germline Mutant Alleles (ENIGMA)
Classification: Pathogenic for Breast-ovarian cancer, familial, susceptibility to, 1. Last evaluated: 2016-09-08. Review status: reviewed by expert panel. Criteria: ENIGMA BRCA1/2 Classification Criteria (2015). Collection method: curation. Allele origin: germline.
Comment: Variant allele predicted to encode a truncated non-functional protein.

Breast Cancer Information Core (BIC) (BRCA1)
Classification: Pathogenic for Breast-ovarian cancer, familial 1. Last evaluated: 2012-05-24. Review status: no assertion criteria provided. Collection method: clinical testing. Allele origin: germline. Affected: yes. Observed: 1 variant allele. Not counted in ClinVar's aggregate classification.

Literature cited by the submitters: PubMed 22425665 (cited by Breast Cancer Information Core (BIC) (BRCA1)).